The following is an entry in ClinVar:

ClinVar aggregate classification (germline): Uncertain significance (1 of 4 stars; one submission).

Submission:

Ambry Genetics
Classification: Uncertain significance. Last evaluated: 2026-06-09. Review status: criteria provided, single submitter. Criteria: Ambry Variant Classification Scheme 2023. Collection method: clinical testing. Allele origin: germline.
Comment: The p.P411T variant (also known as c.1231C>A), located in coding exon 1 of the TET2 gene, results from a C to A substitution at nucleotide position 1231. The proline at codon 411 is replaced by threonine, an amino acid with highly similar properties. This amino acid position is conserved. In addition, this alteration is predicted to be tolerated by in silico analysis. Based on the available evidence, the clinical significance of this variant remains unclear.

NM_001127208.3(TET2):c.1231C>A (p.Pro411Thr)

Genes: TET2 (tet methylcytosine dioxygenase 2; plus strand), TET2-AS1 (TET2 antisense RNA 1; minus strand). Cytogenetic location: 4q24.
Variant type: single nucleotide variant.
Coding change: c.1231C>A on transcript NM_001127208.3 (MANE Select); coding-DNA position 1231, C replaced by A.
Protein change: p.Pro411Thr; replaces proline 411 with threonine.
Molecular consequence: missense variant.
Genome position (GRCh38, 1-based): chr4:105,235,173, C>A. VCF-style: chr4-105235173-C-A. GRCh37 (hg19) VCF-style: chr4-106156330-C-A.
Other names: c.1231C>A, p.Pro411Thr (NM_017628.4); short protein forms P411T.
Identifiers: ClinVar variation 4865613 (VCV004865613.1).